The following is an entry in ClinVar:

ClinVar aggregate classification (germline): Likely pathogenic. Review status: criteria provided, multiple submitters, no conflicts (2 of 4 stars). 5 submissions from 5 submitters: Likely pathogenic (4). 1 of the submissions does not count toward it. Last evaluated 2026-01-20.

Conditions:
TH-deficient dopa-responsive dystonia. Also called: DYT-TH; Tyrosine Hydroxylase-Deficient Dopa-Responsive Dystonia; Segawa syndrome, autosomal recessive. Identifiers: Orphanet 101150, MedGen C2673535, MONDO:0011551, OMIM 605407.

Allele frequency attached by ClinVar (database versions not stated): ExAC 0.00002; gnomAD exomes 0.00002; gnomAD 0.00003; TOPMed 0.00003; ESP Exome Variant Server 0.00008.
gnomAD v4.1: 85 of 1,610,814 alleles (0.0053%); highest among the groups gnomAD compares: Non-Finnish European, 0.0068%; no homozygotes.

Submissions (5):

Labcorp Genetics (formerly Invitae), Labcorp
Classification: Likely pathogenic for TH-deficient dopa-responsive dystonia. Last evaluated: 2026-01-20. Review status: criteria provided, single submitter. Criteria: Invitae Variant Classification Sherloc (09022015). Collection method: clinical testing. Allele origin: germline.
Comment: This sequence change affects a donor splice site in intron 1 of the TH gene. It is expected to disrupt RNA splicing. Variants that disrupt the donor or acceptor splice site typically lead to a loss of protein function (PMID: 16199547), and loss-of-function variants in TH are known to be pathogenic (PMID: 22264700, 24753243). This variant is present in population databases (rs77140743, gnomAD 0.01%). This variant has not been reported in the literature in individuals affected with TH-related conditions. ClinVar contains an entry for this variant (Variation ID: 555292). Algorithms developed to predict the effect of sequence changes on RNA splicing suggest that this variant may disrupt the consensus splice site. In summary, the currently available evidence indicates that the variant is pathogenic, but additional data are needed to prove that conclusively. Therefore, this variant has been classified as Likely Pathogenic.

Natera, Inc.
Classification: Likely pathogenic for Autosomal recessive Segawa syndrome. Last evaluated: 2025-08-25. Review status: criteria provided, single submitter. Criteria: Natera Variant Classification Schema (03/2026). Collection method: clinical testing. Allele origin: germline.
Comment: The c.102+1G>A variant in TH is a canonical splice donor site variant predicted to affect pre-mRNA splicing, which may result in an abnormal transcript and altered protein product. This variant is expected to result in nonsense mediated decay, truncation, or a dysfunctional protein product. This variant is rare in the general population with a frequency below the threshold expected for the associated phenotype(s). Given the available evidence, this variant is classified as Likely Pathogenic.

Fulgent Genetics
Classification: Likely pathogenic for TH-deficient dopa-responsive dystonia. Last evaluated: 2024-02-17. Review status: criteria provided, single submitter. Criteria: ACMG Guidelines, 2015. Collection method: clinical testing. Allele origin: germline.

Baylor Genetics
Classification: Likely pathogenic for TH-deficient dopa-responsive dystonia. Last evaluated: 2024-02-15. Review status: criteria provided, single submitter. Criteria: ACMG Guidelines, 2015. Collection method: clinical testing. Allele origin: unknown.

Counsyl
Classification: Uncertain significance for TH-deficient dopa-responsive dystonia. Last evaluated: 2017-11-30. Review status: no assertion criteria provided. Collection method: clinical testing. Allele origin: unknown. Not counted in ClinVar's aggregate classification.

Literature cited by the submitters: PubMed 16199547 (cited by Labcorp Genetics (formerly Invitae), Labcorp); PubMed 22264700 (cited by Labcorp Genetics (formerly Invitae), Labcorp); PubMed 24753243 (cited by Labcorp Genetics (formerly Invitae), Labcorp).

NM_000360.4(TH):c.90+13G>A

Gene: TH (tyrosine hydroxylase; minus strand). Cytogenetic location: 11p15.5.
Variant type: single nucleotide variant.
Coding change: c.90+13G>A on transcript NM_000360.4 (MANE Select); 13 bases into the intron after coding-DNA position 90, G replaced by A.
Molecular consequence: intron variant. On other transcripts: splice donor variant (1).
Genome position (GRCh38, 1-based): chr11:2,171,684, C>T on the plus strand (G>A on the coding strand, the complement: TH is on the minus strand). VCF-style: chr11-2171684-C-T. GRCh37 (hg19) VCF-style: chr11-2192914-C-T.
Other names: c.90+13G>A (NM_199293.3); c.102+1G>A (NM_199292.3).
Identifiers: ClinVar variation 555292 (VCV000555292.19), dbSNP rs77140743, ClinGen allele CA5818862.